The following is an entry in ClinVar:

ClinVar aggregate classification (germline): Benign/Likely benign. Review status: criteria provided, multiple submitters, no conflicts (2 of 4 stars). 14 submissions from 14 submitters: Benign (4); Likely benign (8). 2 of the submissions do not count toward it. Last evaluated 2026-01-28.

Conditions:
Hereditary pancreatitis (PCTT). Also called: Hereditary chronic pancreatitis; PRSS1-Related Hereditary Pancreatitis. Identifiers: Orphanet 676, MedGen C0238339, MONDO:0008185, OMIM 167800.
Cystic fibrosis (CF). Also called: MUCOVISCIDOSIS. Identifiers: Orphanet 586, MedGen C0010674, MONDO:0009061, OMIM 219700. Disease mechanism: loss of function.

Allele frequency attached by ClinVar (database versions not stated): gnomAD exomes 0.00012 and 0.00033; ExAC 0.00034; 1000 Genomes Project 0.00060; 1000 Genomes Project 30x 0.00062; gnomAD 0.00135 and 0.00148; ESP Exome Variant Server 0.00161; TOPMed 0.00163.
gnomAD v4.1: 393 of 1,614,126 alleles (0.024%); highest among the groups gnomAD compares: African/African-American, 0.45%; 2 homozygotes.

Submissions (14):

Labcorp Genetics (formerly Invitae), Labcorp
Classification: Benign for Cystic fibrosis. Last evaluated: 2026-01-28. Review status: criteria provided, single submitter. Criteria: Invitae Variant Classification Sherloc (09022015). Collection method: clinical testing. Allele origin: germline.

CeGaT Center for Human Genetics Tuebingen
Classification: Likely benign. Last evaluated: 2025-06-01. Review status: criteria provided, single submitter. Criteria: CeGaT Center For Human Genetics Tuebingen Variant Classification Criteria Version 2. Collection method: clinical testing. Allele origin: germline. Affected: yes. Observed: 1 variant allele.
Comment: CFTR: BP4, BP7

ARUP Laboratories, Molecular Genetics and Genomics, ARUP Laboratories
Classification: Benign. Last evaluated: 2025-05-11. Review status: criteria provided, single submitter. Criteria: ARUP Molecular Germline Variant Investigation Process 2024. Collection method: clinical testing. Allele origin: germline.

Blueprint Genetics
Classification: Likely benign. Last evaluated: 2024-11-14. Review status: criteria provided, single submitter. Criteria: ACMG Guidelines, 2015. Collection method: clinical testing. Allele origin: germline.

Quest Diagnostics Nichols Institute San Juan Capistrano
Classification: Likely benign. Last evaluated: 2023-01-30. Review status: criteria provided, single submitter. Criteria: Quest Diagnostics criteria. Collection method: clinical testing. Allele origin: unknown.

Johns Hopkins Genomics, Johns Hopkins University
Classification: Likely benign for Cystic fibrosis. Last evaluated: 2022-07-23. Review status: criteria provided, single submitter. Criteria: ACMG Guidelines, 2015. Collection method: clinical testing. Allele origin: germline.

Sema4
Classification: Likely benign for Hereditary pancreatitis. Last evaluated: 2021-02-04. Review status: criteria provided, single submitter. Criteria: Sema4 Curation Guidelines. Collection method: curation. Allele origin: germline.

Core Molecular Diagnostic Lab, McGill University Health Centre
Classification: Likely benign for Cystic fibrosis. Last evaluated: 2019-05-21. Review status: criteria provided, single submitter. Criteria: ACMG Guidelines, 2015. Collection method: clinical testing. Allele origin: germline. Inheritance: Autosomal recessive inheritance. Affected: no. Observed: 1 variant allele, 1 heterozygote.

Women's Health and Genetics/Laboratory Corporation of America, LabCorp
Classification: Likely benign. Last evaluated: 2019-01-28. Review status: criteria provided, single submitter. Criteria: LabCorp Variant Classification Summary - May 2015. Collection method: clinical testing. Allele origin: germline.
Comment: Variant summary: CFTR c.2820T>G alters a non-conserved nucleotide resulting in a synonymous change. 5/5 computational tools predict no significant impact on normal splicing. However, these predictions have yet to be confirmed by functional studies. The variant allele was found at a frequency of 0.00044 in 277144 control chromosomes, predominantly at a frequency of 0.0045 within the African subpopulation in the gnomAD database. This frequency is somewhat lower than expected for a pathogenic variant in CFTR causing Cystic Fibrosis (0.0045 vs 0.013), nevertheless the variant still might represent a benign polymorphism. To our knowledge, no occurrence of c.2820T>G in individuals affected with Cystic Fibrosis and no experimental evidence demonstrating its impact on protein function have been reported. Three clinical diagnostic laboratories have submitted clinical-significance assessments for this variant to ClinVar after 2014 without evidence for independent evaluation (1 benign, 1 likely benign, 1 VUS). Based on the evidence outlined above, the variant was classified as likely benign.

Eurofins Ntd Llc (ga)
Classification: Likely benign. Last evaluated: 2016-12-15. Review status: criteria provided, single submitter. Criteria: EGL Classification Definitions 2015. Collection method: clinical testing. Allele origin: germline. Observed: 4 variant alleles, 4 heterozygotes.

Ambry Genetics
Classification: Benign for Cystic fibrosis. Last evaluated: 2015-06-22. Review status: criteria provided, single submitter. Criteria: Ambry Variant Classification Scheme 2023. Collection method: clinical testing. Allele origin: germline.

Laboratory for Molecular Medicine, Mass General Brigham Personalized Medicine
Classification: Benign. Last evaluated: 2013-02-21. Review status: criteria provided, single submitter. Criteria: LMM Criteria. Collection method: clinical testing. Allele origin: germline. Observed: 1 variant allele.
Comment: Thr940Thr in exon 17 of CFTR: This variant is not expected to have clinical sign ificance because it does not alter an amino acid residue and is not located with in the splice consensus sequence. It has been identified in 0.5% (21/4406) of Af rican American chromosomes from a broad population by the NHLBI Exome Sequencing Project (dbSNP rs60887846).

Natera, Inc.
Classification: Likely benign for Cystic Fibrosis. Last evaluated: 2019-08-06. Review status: no assertion criteria provided. Collection method: clinical testing. Allele origin: germline. Not counted in ClinVar's aggregate classification.

Clinical Molecular Genetics Laboratory, Johns Hopkins All Children's Hospital
Classification: Uncertain significance for Cystic fibrosis. Last evaluated: 2015-12-29. Review status: no assertion criteria provided. Collection method: clinical testing. Allele origin: germline. Affected: yes. Not counted in ClinVar's aggregate classification.

NM_000492.4(CFTR):c.2820T>G (p.Thr940=)

Gene: CFTR (CF transmembrane conductance regulator; plus strand). Cytogenetic location: 7q31.2.
Variant type: single nucleotide variant.
Coding change: c.2820T>G on transcript NM_000492.4 (MANE Select); coding-DNA position 2820, T replaced by G.
Protein change: p.Thr940=; no amino-acid change (threonine 940 retained).
Molecular consequence: synonymous variant.
Genome position (GRCh38, 1-based): chr7:117,603,694, T>G. VCF-style: chr7-117603694-T-G. GRCh37 (hg19) VCF-style: chr7-117243748-T-G.
Identifiers: ClinVar variation 93151 (VCV000093151.47), dbSNP rs60887846, ClinGen allele CA221016.